The following is an entry in ClinVar:

NM_152468.5(TMC8):c.1325C>T (p.Ala442Val)

Gene: TMC8 (transmembrane channel like 8; plus strand). Cytogenetic location: 17q25.3.
Variant type: single nucleotide variant.
Coding change: c.1325C>T on transcript NM_152468.5 (MANE Select); coding-DNA position 1325, C replaced by T.
Protein change: p.Ala442Val; replaces alanine 442 with valine.
Molecular consequence: missense variant.
Genome position (GRCh38, 1-based): chr17:78,137,790, C>T. VCF-style: chr17-78137790-C-T. GRCh37 (hg19) VCF-style: chr17-76133871-C-T.
Other names: short protein forms A442V.
Identifiers: ClinVar variation 992546 (VCV000992546.2), dbSNP rs2075272237, ClinGen allele CA401249623.

ClinVar aggregate classification (germline): Uncertain significance. Review status: criteria provided, single submitter (1 of 4 stars). 2 submissions from 1 submitter: Uncertain significance (2). Last evaluated 2021-03-30.

Conditions:
Epidermodysplasia verruciformis, susceptibility to, 1. Identifiers: Orphanet 302, MedGen C4722564, MONDO:0100045, OMIM 226400.
Epidermodysplasia verruciformis, susceptibility to, 2. Also called: Epidermodysplasia verruciformis 2. Identifiers: MedGen C4722258, MONDO:0032614, OMIM 618231.

Submissions (2):

Center for Genomics, Ann and Robert H. Lurie Children's Hospital of Chicago
Classification: Uncertain significance for Epidermodysplasia verruciformis, susceptibility to, 2. Last evaluated: 2021-03-30. Review status: criteria provided, single submitter. Criteria: ACMG Guidelines, 2015. Collection method: clinical testing. Allele origin: germline.
Comment: TMC8 NM_152468.4 exon 11 p.Ala442Val (c.1325C>T): This variant has not been reported in the literature and is not present in large control databases. This variant amino acid Valine (Val) is present in 6 fish species and is not well conserved among evolutionarily distant species; this suggests that this variant may not impact the protein. Additional computational prediction tools are unclear. In summary, data on this variant is insufficient for disease classification. Therefore, the clinical significance of this variant is uncertain.

Center for Genomics, Ann and Robert H. Lurie Children's Hospital of Chicago
Classification: Uncertain significance for Epidermodysplasia verruciformis, susceptibility to, 1. Last evaluated: 2020-09-11. Review status: criteria provided, single submitter. Criteria: ACMG Guidelines, 2015. Collection method: clinical testing. Allele origin: germline.
Comment: the same text as in the submission from Center for Genomics, Ann and Robert H. Lurie Children's Hospital of Chicago above.